The following is an entry in ClinVar:

ClinVar aggregate classification (germline): Uncertain significance (1 of 4 stars; one submission).

Conditions:
Intellectual developmental disorder, autosomal recessive 43. Also called: Intellectual disability, autosomal recessive 43. Identifiers: Orphanet 88616, MedGen C4014386, MONDO:0014354, OMIM 615817.

gnomAD v4.1: 1 of 1,610,208 alleles (0.000062%); highest among the groups gnomAD compares: Non-Finnish European, 0.000085%; no homozygotes.

Submission:

Clinical Genomics Laboratory, Washington University in St. Louis
Classification: Uncertain significance for Intellectual developmental disorder, autosomal recessive 43. Last evaluated: 2026-01-02. Review status: criteria provided, single submitter. Criteria: ACMG Guidelines, 2015. Collection method: clinical testing. Allele origin: germline.
Comment: The WASHC4 c.244A>T (p.Thr82Ser) variant, to our knowledge, has not been reported in the medical literature. This variant is absent from the general population (gnomAD v.2.1.1), indicating it is not a common variant. Computational predictors suggest that the variant does not impact WASHC4 function. Due to limited information, and based on ACMG/AMP guidelines for variant interpretation (Richards S et al., PMID: 25741868), the clinical significance of this variant is uncertain at this time.

NM_015275.3(WASHC4):c.244A>T (p.Thr82Ser)

Gene: WASHC4 (WASH complex subunit 4; plus strand). Cytogenetic location: 12q23.3.
Variant type: single nucleotide variant.
Coding change: c.244A>T on transcript NM_015275.3 (MANE Select); coding-DNA position 244, A replaced by T.
Protein change: p.Thr82Ser; replaces threonine 82 with serine.
Molecular consequence: missense variant.
Genome position (GRCh38, 1-based): chr12:105,114,258, A>T. VCF-style: chr12-105114258-A-T. GRCh37 (hg19) VCF-style: chr12-105508036-A-T.
Other names: c.244A>T, p.Thr82Ser (NM_001293640.2); short protein forms T82S.
Identifiers: ClinVar variation 4879327 (VCV004879327.1).